The following is an entry in ClinVar:

NM_000540.3(RYR1):c.3656A>C (p.Gln1219Pro)

Gene: RYR1 (ryanodine receptor 1; plus strand). Cytogenetic location: 19q13.2.
Variant type: single nucleotide variant.
Coding change: c.3656A>C on transcript NM_000540.3 (MANE Select); coding-DNA position 3656, A replaced by C.
Protein change: p.Gln1219Pro; replaces glutamine 1219 with proline.
Molecular consequence: missense variant.
Genome position (GRCh38, 1-based): chr19:38,469,404, A>C. VCF-style: chr19-38469404-A-C. GRCh37 (hg19) VCF-style: chr19-38960044-A-C.
Other names: c.3656A>C, p.Gln1219Pro (NM_001042723.2); short protein forms Q1219P.
Identifiers: ClinVar variation 1210309 (VCV001210309.3), dbSNP rs2145463700, ClinGen allele CA405639477.

ClinVar aggregate classification (germline): Uncertain significance (3 of 4 stars; one submission).

Conditions:
Malignant hyperthermia, susceptibility to, 1 (MHS1). Also called: RYR1-Related Malignant Hyperthermia Susceptibility; Anesthesia related hyperthermia; Malignant hyperpyrexia; Fulminating hyperpyrexia; Pharmacogenic myopathy; Malignant hyperthermia suceptibility 1. Identifiers: Orphanet 423, MedGen C2930980, MONDO:0007783, OMIM 145600.

Submission:

ClinGen Malignant Hyperthermia Susceptibility Variant Curation Expert Panel, ClinGen
Classification: Uncertain significance for Malignant hyperthermia, susceptibility to, 1. Last evaluated: 2025-08-01. Review status: reviewed by expert panel. Criteria: ClinGen MHS ACMG Specifications V2. Collection method: curation. Allele origin: germline. Inheritance: Autosomal dominant inheritance.
Comment: This pathogenicity assessment is relevant only for malignant hyperthermia susceptibility (MHS) inherited in an autosomal dominant pattern. Variants in RYR1 can also cause other myopathies inherited in an autosomal dominant pattern or in an autosomal recessive pattern. Some of these disorders may predispose individuals to malignant hyperthermia. RYR1 variants may also contribute to a malignant hyperthermia reaction in combination with other genetic and non-genetic factors and the clinician needs to consider such factors in making management decisions. This sequence variant predicts a substitution of glutamine with proline at codon 1219 of the RYR1 protein, p.Gln1219Pro. This variant was not present in a large population database (gnomAD) at the time this variant was interpreted. This variant has been reported in an individual with a personal or family history of an MH episode and a positive in vitro contracture test (IVCT) or caffeine halothane contracture test (CHCT) result (if the proband was unavailable for testing, a positive diagnostic test result in a mutation-positive relative was counted), however, this variant was identified with a second variant of uncertain significance (p.Asp708Asn) and PS4 was not implemented (PMID:21965348). No functional studies were identified for this variant. This variant does not reside in a hotspot for pathogenic variants that contribute to MHS. A REVEL score >0.85 (0.891) supports a pathogenic status for this variant, PP3_Moderate. This variant has been classified as a Variant of Unknown Significance. Criteria implemented: PP3_Moderate.